The following is an entry in ClinVar:

ClinVar aggregate classification (germline): Uncertain significance (1 of 4 stars; one submission).

Submission:

Ambry Genetics
Classification: Uncertain significance. Last evaluated: 2025-03-22. Review status: criteria provided, single submitter. Criteria: Ambry Variant Classification Scheme 2023. Collection method: clinical testing. Allele origin: germline.
Comment: The p.H85Y variant (also known as c.253C>T), located in coding exon 4 of the RPS20 gene, results from a C to T substitution at nucleotide position 253. The histidine at codon 85 is replaced by tyrosine, an amino acid with similar properties. This amino acid position is conserved. In addition, this alteration is predicted to be deleterious by in silico analysis. Based on the available evidence, the clinical significance of this variant remains unclear.

NM_001023.4(RPS20):c.253C>T (p.His85Tyr)

Gene: RPS20 (ribosomal protein S20; minus strand). Cytogenetic location: 8q12.1.
Variant type: single nucleotide variant.
Coding change: c.253C>T on transcript NM_001023.4 (MANE Select); coding-DNA position 253, C replaced by T.
Protein change: p.His85Tyr; replaces histidine 85 with tyrosine.
Molecular consequence: missense variant.
Genome position (GRCh38, 1-based): chr8:56,073,197, G>A on the plus strand (C>T on the coding strand, the complement: RPS20 is on the minus strand). VCF-style: chr8-56073197-G-A. GRCh37 (hg19) VCF-style: chr8-56985756-G-A.
Other names: c.253C>T, p.His85Tyr (NM_001146227.3); short protein forms H85Y.
Identifiers: ClinVar variation 3947633 (VCV003947633.1).